The following is an entry in ClinVar:

ClinVar aggregate classification (germline): Uncertain significance (1 of 4 stars; one submission).

Conditions:
DYRK1B-related disorder. Also called: DYRK1B-related condition.

gnomAD v4.1: 4 of 1,435,092 alleles (0.00028%); highest among the groups gnomAD compares: Non-Finnish European, 0.00036%; no homozygotes.

Submission:

PreventionGenetics, part of Exact Sciences
Classification: Uncertain significance for DYRK1B-related condition. Last evaluated: 2025-01-07. Review status: criteria provided, single submitter. Criteria: ACMG Guidelines, 2015. Collection method: clinical testing. Allele origin: germline.
Comment: The DYRK1B c.1153G>A variant is predicted to result in the amino acid substitution p.Gly385Arg. To our knowledge, this variant has not been reported in the literature or in a large population database, indicating this variant is rare. At this time, the clinical significance of this variant is uncertain due to the absence of conclusive functional and genetic evidence.

NM_004714.3(DYRK1B):c.1153G>A (p.Gly385Arg)

Gene: DYRK1B (dual specificity tyrosine phosphorylation regulated kinase 1B; minus strand). Cytogenetic location: 19q13.2.
Variant type: single nucleotide variant.
Coding change: c.1153G>A on transcript NM_004714.3 (MANE Select); coding-DNA position 1153, G replaced by A.
Protein change: p.Gly385Arg; replaces glycine 385 with arginine.
Molecular consequence: missense variant. On other transcripts: intron variant (2).
Genome position (GRCh38, 1-based): chr19:39,826,930, C>T on the plus strand (G>A on the coding strand, the complement: DYRK1B is on the minus strand). VCF-style: chr19-39826930-C-T. GRCh37 (hg19) VCF-style: chr19-40317570-C-T.
Other names: c.1096-63G>A (NM_006483.3); c.1131+22G>A (NM_006484.3); short protein forms G385R.
Identifiers: ClinVar variation 3358618 (VCV003358618.2).